The following is an entry in ClinVar:

ClinVar aggregate classification (germline): Conflicting classifications of pathogenicity. Review status: criteria provided, conflicting classifications (1 of 4 stars). 2 submissions from 2 submitters: Likely pathogenic (1); Uncertain significance (1). Last evaluated 2026-02-16.

Conditions:
Inborn genetic diseases. Identifiers: MedGen C0950123, MeSH D030342.

Allele frequency attached by ClinVar (database versions not stated): TOPMed 0.00002; gnomAD 0.00003; 1000 Genomes Project 30x 0.00016.
gnomAD v4.1: 53 of 1,613,084 alleles (0.0033%); highest among the groups gnomAD compares: Middle Eastern, 0.22%; 1 homozygote.

Submissions (2):

Women's Health and Genetics/Laboratory Corporation of America, LabCorp
Classification: Uncertain significance. Last evaluated: 2026-02-16. Review status: criteria provided, single submitter. Criteria: LabCorp Variant Classification Summary - May 2015. Collection method: clinical testing. Allele origin: germline.
Comment: Variant summary: FMO3 c.1499G>A (p.Arg500Gln) results in a conservative amino acid change in the encoded protein sequence. Algorithms developed to predict the effect of missense changes on protein structure and function are either unavailable or do not agree on the potential impact of this missense change. The variant allele was found at a frequency of 8e-05 in 250576 control chromosomes in the gnomAD database, including one homozygote. This frequency is not significantly higher than estimated for disease-causing variants in FMO3, allowing no conclusion about variant significance. To our knowledge, no occurrence of c.1499G>A in individuals affected with FMO3-related conditions has been reported. At least one publication reports experimental evidence evaluating an impact on protein function and this variant results in reducing FMO3 activity (Shimizu_2022). The following publication have been ascertained in the context of this evaluation (PMID: 35853340). ClinVar contains an entry for this variant (Variation ID: 985096). Based on the evidence outlined above, the variant was classified as VUS-possibly pathogenic.

Ambry Genetics
Classification: Likely pathogenic for Inborn genetic diseases. Last evaluated: 2016-08-29. Review status: criteria provided, single submitter. Criteria: Ambry exome assertion method (8-5-2015). Collection method: clinical testing. Allele origin: germline. Affected: yes. Observed: 1 variant allele.

Literature cited by the submitters: PubMed 35853340 (cited by Women's Health and Genetics/Laboratory Corporation of America, LabCorp).

NM_001002294.3(FMO3):c.1499G>A (p.Arg500Gln)

Gene: FMO3 (flavin containing dimethylaniline monoxygenase 3; plus strand). Cytogenetic location: 1q24.3.
Variant type: single nucleotide variant.
Coding change: c.1499G>A on transcript NM_001002294.3 (MANE Select); coding-DNA position 1499, G replaced by A.
Protein change: p.Arg500Gln; replaces arginine 500 with glutamine.
Molecular consequence: missense variant.
Genome position (GRCh38, 1-based): chr1:171,117,342, G>A. VCF-style: chr1-171117342-G-A. GRCh37 (hg19) VCF-style: chr1-171086482-G-A.
Other names: c.1439G>A, p.Arg480Gln (NM_001319173.2); c.1310G>A, p.Arg437Gln (NM_001319174.2); c.1499G>A, p.Arg500Gln (NM_006894.6); short protein forms R437Q, R480Q, R500Q.
Identifiers: ClinVar variation 985096 (VCV000985096.4), dbSNP rs183949390, ClinGen allele CA1240851.